The following is an entry in ClinVar:

ClinVar aggregate classification (germline): Uncertain significance (1 of 4 stars; one submission).

Allele frequency attached by ClinVar (database versions not stated): gnomAD exomes below 0.00001.
gnomAD v4.1: 1 of 1,613,886 alleles (0.000062%); highest among the groups gnomAD compares: Non-Finnish European, 0.000085%; no homozygotes.

Submission:

GeneDx
Classification: Uncertain significance. Last evaluated: 2023-01-17. Review status: criteria provided, single submitter. Criteria: GeneDx Variant Classification Process June 2021. Collection method: clinical testing. Allele origin: germline. Affected: yes.
Comment: Not observed at significant frequency in large population cohorts (gnomAD); In silico analysis supports that this missense variant has a deleterious effect on protein structure/function; Has not been previously published as pathogenic or benign to our knowledge

NM_001386298.1(CIC):c.6167C>T (p.Ala2056Val)

Gene: CIC (capicua transcriptional repressor; plus strand). Cytogenetic location: 19q13.2.
Variant type: single nucleotide variant.
Coding change: c.6167C>T on transcript NM_001386298.1 (MANE Select); coding-DNA position 6167, C replaced by T.
Protein change: p.Ala2056Val; replaces alanine 2056 with valine.
Molecular consequence: missense variant.
Genome position (GRCh38, 1-based): chr19:42,292,830, C>T. VCF-style: chr19-42292830-C-T. GRCh37 (hg19) VCF-style: chr19-42796982-C-T.
Other names: c.6167C>T, p.Ala2056Val (NM_001304815.2, NM_001379480.1, NM_001379482.1 and 1 more transcripts); c.3440C>T, p.Ala1147Val (NM_001379484.1, NM_001379485.1, NM_015125.5); short protein forms A1147V, A2056V.
Identifiers: ClinVar variation 2572967 (VCV002572967.1), dbSNP rs2147313233, ClinGen allele CA406116589.
Genomic context (GRCh38, chr19:42,292,830, plus strand): 5'-CCCCACCTGCAGCCACCATTCTGCCCAAGGGCCCGCCAGCCCCTGCCACTGCCACCCCAG[C>T]CCCGACTAGCCCTTTCCCCAGCGCCACAGGTAGGTGTCAGATCAACCCAGAGCAGAGTGA-3'
Protein context (NP_001373227.1, residues 2046-2066): GPPAPATATP[Ala2056Val]PTSPFPSATA